The following is an entry in ClinVar:

NM_000091.5(COL4A3):c.615del (p.Pro206fs)

Genes: COL4A3 (collagen type IV alpha 3 chain; plus strand), MFF-DT (MFF divergent transcript; minus strand). Cytogenetic location: 2q36.3.
Variant type: Deletion.
Coding change: c.615del on transcript NM_000091.5 (MANE Select); coding-DNA position 615, one base deleted (T; older notation c.615delT).
Protein change: p.Pro206fs; shifts the reading frame from proline 206.
Molecular consequence: frameshift variant.
Genome position (GRCh38, 1-based): chr2:227,251,341, T deleted; the last of 3 consecutive T bases (chr2:227,251,339-227,251,341); deleting any one gives the same sequence. VCF-style (leftmost placement, unchanged base first): chr2-227251338-CT-C. GRCh37 (hg19) VCF-style: chr2-228116054-CT-C.
Other names: short protein forms P206fs.
Identifiers: ClinVar variation 1724816 (VCV001724816.2), dbSNP rs2469545432, ClinGen allele CA2577264593.

ClinVar aggregate classification (germline): Likely pathogenic (1 of 4 stars; one submission).

Conditions:
Autosomal recessive Alport syndrome (ATS2). Also called: COL4A3-Related Nephropathy; COL4A4 Alport Syndrome and Thin Basement Membrane Nephropathy; ALPORT SYNDROME 2, AUTOSOMAL RECESSIVE; Alport syndrome type 2. Identifiers: Orphanet 63, Orphanet 88919, MedGen C4746745, MONDO:0008762, OMIM 203780.

Submission:

Myriad Genetics, Inc.
Classification: Likely pathogenic for Autosomal recessive Alport syndrome. Last evaluated: 2022-02-28. Review status: criteria provided, single submitter. Criteria: Myriad Women's Health Autosomal Recessive and X-Linked Classification Criteria (2021). Collection method: clinical testing. Allele origin: unknown.
Comment: NM_000091.4(COL4A3):c.615delT(P206Qfs*17) is expected to be pathogenic in the context of COL4A3-related Alport syndrome. This variant is predicted to lead to an abnormal or absent protein product due to the creation of a premature termination codon in COL4A3, a gene where loss-of-function variants are known to be pathogenic. Please note: this variant was assessed in the context of healthy population screening.